The following is an entry in ClinVar:

NM_001080.3(ALDH5A1):c.271G>A (p.Ala91Thr)

Genes: ALDH5A1 (aldehyde dehydrogenase 5 family member A1; plus strand), GPLD1 (glycosylphosphatidylinositol specific phospholipase D1; minus strand), LOC129995978 (ATAC-STARR-seq lymphoblastoid silent region 16989; plus strand). Cytogenetic location: 6p22.3.
Variant type: single nucleotide variant.
Coding change: c.271G>A on transcript NM_001080.3 (MANE Select); coding-DNA position 271, G replaced by A.
Protein change: p.Ala91Thr; replaces alanine 91 with threonine.
Molecular consequence: missense variant.
Genome position (GRCh38, 1-based): chr6:24,495,267, G>A. VCF-style: chr6-24495267-G-A. GRCh37 (hg19) VCF-style: chr6-24495495-G-A.
Other names: c.271G>A, p.Ala91Thr (NM_001368954.1, NM_170740.1); short protein forms A91T.
Identifiers: ClinVar variation 3343815 (VCV003343815.1).

ClinVar aggregate classification (germline): Uncertain significance (1 of 4 stars; one submission).

gnomAD v4.1: 1 of 1,532,488 alleles (0.000065%); highest among the groups gnomAD compares: African/African-American, 0.0014%; no homozygotes.

Submission:

GeneDx
Classification: Uncertain significance. Last evaluated: 2023-05-21. Review status: criteria provided, single submitter. Criteria: GeneDx Variant Classification Process June 2021. Collection method: clinical testing. Allele origin: germline. Affected: yes.
Comment: Not observed at significant frequency in large population cohorts (gnomAD); In silico analysis supports that this missense variant does not alter protein structure/function; Has not been previously published as pathogenic or benign to our knowledge